The following is an entry in ClinVar:

NM_013276.4(SHPK):c.749G>A (p.Gly250Glu)

Gene: SHPK (sedoheptulokinase; minus strand). Cytogenetic location: 17p13.2.
Variant type: single nucleotide variant.
Coding change: c.749G>A on transcript NM_013276.4 (MANE Select); coding-DNA position 749, G replaced by A.
Protein change: p.Gly250Glu; replaces glycine 250 with glutamic acid.
Molecular consequence: missense variant.
Genome position (GRCh38, 1-based): chr17:3,621,311, C>T on the plus strand (G>A on the coding strand, the complement: SHPK is on the minus strand). VCF-style: chr17-3621311-C-T. GRCh37 (hg19) VCF-style: chr17-3524605-C-T.
Other names: c.749G>A (NM_013276.2); short protein forms G250E.
Identifiers: ClinVar variation 1495707 (VCV001495707.8), dbSNP rs764894508, ClinGen allele CA8291224.
Genomic context (GRCh38, chr17:3,621,311, plus strand): 5'-TGGGCCATGCAGGAATAGACAGAGGCCTGTAAATCACCCAAGGCCACTCCCACCTGCGTC[C>T]CCTTTGGGATTTCAAACCACATGTGGGAAGTTCTGCCCGCCACACTGCCAGGCTCGGCGA-3'
Protein context (NP_037408.2, residues 240-260): TSHMWFEIPK[Gly250Glu]TQVGVALGDL

ClinVar aggregate classification (germline): Uncertain significance. Review status: criteria provided, multiple submitters, no conflicts (2 of 4 stars). 2 submissions from 2 submitters: Uncertain significance (2). Last evaluated 2025-10-29.

Allele frequency attached by ClinVar (database versions not stated): TOPMed below 0.00001; ExAC 0.00001; gnomAD exomes 0.00001.

Submissions (2):

Ambry Genetics
Classification: Uncertain significance. Last evaluated: 2025-10-29. Review status: criteria provided, single submitter. Criteria: Ambry Variant Classification Scheme 2023. Collection method: clinical testing. Allele origin: germline.

Labcorp Genetics (formerly Invitae), Labcorp
Classification: Uncertain significance. Last evaluated: 2024-02-24. Review status: criteria provided, single submitter. Criteria: Invitae Variant Classification Sherloc (09022015). Collection method: clinical testing. Allele origin: germline.
Comment: This sequence change replaces glycine, which is neutral and non-polar, with glutamic acid, which is acidic and polar, at codon 250 of the SHPK protein (p.Gly250Glu). This variant is present in population databases (rs764894508, gnomAD 0.002%). This variant has not been reported in the literature in individuals affected with SHPK-related conditions. ClinVar contains an entry for this variant (Variation ID: 1495707). An algorithm developed to predict the effect of missense changes on protein structure and function (PolyPhen-2) suggests that this variant is likely to be disruptive. In summary, the available evidence is currently insufficient to determine the role of this variant in disease. Therefore, it has been classified as a Variant of Uncertain Significance.